The following is an entry in ClinVar:

NM_005559.4(LAMA1):c.6845T>C (p.Ile2282Thr)

Gene: LAMA1 (laminin subunit alpha 1; minus strand). Cytogenetic location: 18p11.31.
Variant type: single nucleotide variant.
Coding change: c.6845T>C on transcript NM_005559.4 (MANE Select); coding-DNA position 6845, T replaced by C.
Protein change: p.Ile2282Thr; replaces isoleucine 2282 with threonine.
Molecular consequence: missense variant.
Genome position (GRCh38, 1-based): chr18:6,971,911, A>G on the plus strand (T>C on the coding strand, the complement: LAMA1 is on the minus strand). VCF-style: chr18-6971911-A-G. GRCh37 (hg19) VCF-style: chr18-6971910-A-G.
Other names: short protein forms I2282T.
Identifiers: ClinVar variation 500448 (VCV000500448.18), dbSNP rs146148365, ClinGen allele CA8881108.

ClinVar aggregate classification (germline): Conflicting classifications of pathogenicity. Review status: criteria provided, conflicting classifications (1 of 4 stars). 4 submissions from 4 submitters: Uncertain significance (1); Likely benign (2). 1 of the submissions does not count toward it. Last evaluated 2025-11-01.

Conditions:
LAMA1-related disorder. Also called: LAMA1-related disorders; LAMA1-related condition.

Allele frequency attached by ClinVar (database versions not stated): gnomAD 0.00027 and 0.00038; TOPMed 0.00029; ESP Exome Variant Server 0.00038; 1000 Genomes Project 0.00040; gnomAD exomes 0.00046 and 0.00069; ExAC 0.00077; 1000 Genomes Project 30x 0.00078.
gnomAD v4.1: 732 of 1,614,118 alleles (0.045%); highest among the groups gnomAD compares: South Asian, 0.45%; 6 homozygotes.

Submissions (4):

Labcorp Genetics (formerly Invitae), Labcorp
Classification: Likely benign. Last evaluated: 2025-11-01. Review status: criteria provided, single submitter. Criteria: Invitae Variant Classification Sherloc (09022015). Collection method: clinical testing. Allele origin: germline.

Blueprint Genetics
Classification: Likely benign. Last evaluated: 2024-11-05. Review status: criteria provided, single submitter. Criteria: ACMG Guidelines, 2015. Collection method: clinical testing. Allele origin: germline.

Eurofins Ntd Llc (ga)
Classification: Uncertain significance. Last evaluated: 2017-04-14. Review status: criteria provided, single submitter. Criteria: EGL Classification Definitions 2015. Collection method: clinical testing. Allele origin: germline. Observed: 1 variant allele, 1 heterozygote.

PreventionGenetics, part of Exact Sciences
Classification: Likely benign for LAMA1-related condition. Last evaluated: 2023-02-08. Review status: no assertion criteria provided. Collection method: clinical testing. Allele origin: germline. Not counted in ClinVar's aggregate classification.
Comment: This variant is classified as likely benign based on ACMG/AMP sequence variant interpretation guidelines (Richards et al. 2015 PMID: 25741868, with internal and published modifications).